The following is an entry in ClinVar:

NM_001161352.2(KCNMA1):c.2521del (p.His841fs)

Genes: KCNMA1-AS1 (KCNMA1 antisense RNA 1; plus strand), KCNMA1 (potassium calcium-activated channel subfamily M alpha 1; minus strand). Cytogenetic location: 10q22.3.
Variant type: Deletion.
Coding change: c.2521del on transcript NM_001161352.2 (MANE Select); coding-DNA position 2521, one base deleted (C; older notation c.2521delC).
Protein change: p.His841fs; shifts the reading frame from histidine 841.
Molecular consequence: frameshift variant.
Genome position (GRCh38, 1-based): chr10:76,949,330, G deleted on the plus strand (C on the coding strand, the reverse complement: KCNMA1 is on the minus strand); the first of 2 consecutive G bases (chr10:76,949,330-76,949,331); deleting either gives the same sequence. VCF-style (leftmost placement, unchanged base first): chr10-76949329-TG-T. GRCh37 (hg19) VCF-style: chr10-78709087-TG-T.
Other names: c.2359del, p.His787fs (NM_001014797.3, NM_001322835.2, NM_001322837.2); c.2470del, p.His824fs (NM_001161353.2); c.2197del, p.His733fs (NM_001271518.2); c.2356del, p.His786fs (NM_001271519.2, NM_001322829.2, NM_001322836.2); c.2368del, p.His790fs (NM_001322830.2); c.2347del, p.His783fs (NM_001322832.2, NM_002247.4); c.1894del, p.His632fs (NM_001322838.2); short protein forms H790fs, H783fs, H786fs, H787fs, H733fs, H632fs, H824fs, H841fs.
Identifiers: ClinVar variation 1416721 (VCV001416721.6), dbSNP rs2152944295, ClinGen allele CA2573145814.

ClinVar aggregate classification (germline): Pathogenic (1 of 4 stars; one submission).

Conditions:
Generalized epilepsy-paroxysmal dyskinesia syndrome (PNKD3). Also called: Paroxysmal nonkinesigenic dyskinesia, 3, with or without generalized epilepsy; Generalized epilepsy and paroxysmal dyskinesia. Identifiers: Orphanet 79137, MedGen C5574945, MONDO:0012276, OMIM 609446.

Submission:

Labcorp Genetics (formerly Invitae), Labcorp
Classification: Pathogenic for Generalized epilepsy-paroxysmal dyskinesia syndrome. Last evaluated: 2021-01-09. Review status: criteria provided, single submitter. Criteria: Invitae Variant Classification Sherloc (09022015). Collection method: clinical testing. Allele origin: germline.
Comment: For these reasons, this variant has been classified as Pathogenic. This variant has not been reported in the literature in individuals with KCNMA1-related conditions. This variant is not present in population databases (ExAC no frequency). This sequence change creates a premature translational stop signal (p.His783Metfs*14) in the KCNMA1 gene. It is expected to result in an absent or disrupted protein product. Loss-of-function variants in KCNMA1 are known to be pathogenic (PMID: 27567911, 29545233).

Literature cited by the submitters: PubMed 27567911; PubMed 29545233.